The following is an entry in ClinVar:

ClinVar aggregate classification (germline): Pathogenic (1 of 4 stars; one submission).

Conditions:
Nephronophthisis. Also called: Juvenile Nephronophthisis. Identifiers: Orphanet 655, MedGen C0687120, MONDO:0019005, HP:0000090.

Submission:

Labcorp Genetics (formerly Invitae), Labcorp
Classification: Pathogenic for Nephronophthisis. Last evaluated: 2019-12-30. Review status: criteria provided, single submitter. Criteria: Invitae Variant Classification Sherloc (09022015). Collection method: clinical testing. Allele origin: germline.
Comment: For these reasons, this variant has been classified as Pathogenic. This variant disrupts the C-terminus of the NPHP1 protein. Other variant(s) that disrupt this region (p.Ser718*) have been determined to be pathogenic (PMID: 23559409). This suggests that variants that disrupt this region of the protein are likely to be causative of disease. This variant has not been reported in the literature in individuals with NPHP1-related conditions. This variant is not present in population databases (ExAC no frequency). This sequence change results in a premature translational stop signal in the NPHP1 gene (p.Phe715Leufs*14). While this is not anticipated to result in nonsense mediated decay, it is expected to disrupt the last 19 amino acids of the NPHP1 protein.

Literature cited by the submitters: PubMed 23559409.

NM_001128178.3(NPHP1):c.1977del (p.Phe659fs)

Gene: NPHP1 (nephrocystin 1; minus strand). Cytogenetic location: 2q13.
Variant type: Deletion.
Coding change: c.1977del on transcript NM_001128178.3 (MANE Select); coding-DNA position 1977, one base deleted (T; older notation c.1977delT).
Protein change: p.Phe659fs; shifts the reading frame from phenylalanine 659.
Molecular consequence: frameshift variant. On other transcripts: 3 prime UTR variant (1).
Genome position (GRCh38, 1-based): chr2:110,123,848, A deleted on the plus strand (T on the coding strand, the reverse complement: NPHP1 is on the minus strand); the first of 4 consecutive A bases (chr2:110,123,848-110,123,851); deleting any one gives the same sequence. VCF-style (leftmost placement, unchanged base first): chr2-110123847-CA-C. GRCh37 (hg19) VCF-style: chr2-110881424-CA-C.
Other names: c.2145del, p.Phe715fs (NM_000272.5); c.1788del, p.Phe596fs (NM_001128179.3); c.1974del, p.Phe658fs (NM_001374256.1); c.*219del (NM_001374257.1); c.2142del, p.Phe714fs (NM_207181.4); short protein forms F658fs, F659fs, F714fs, F596fs, F715fs.
Identifiers: ClinVar variation 854284 (VCV000854284.10), dbSNP rs1679148969, ClinGen allele CA916082192.
Genomic context (GRCh38, chr2:110,123,847, plus strand): 5'-ACTGTCACACTGCATTCTTTCTCATTTCACCCAAGAAGTCATAGGTCTGCTCTGAAAGGT[CA>C]AAAGGTTCATGAACTCCGTCTGGTGACAGCAGAGCTTGGAGGGCGCCCTGGTTTTCTTGG-3'